The following is an entry in ClinVar:

ClinVar aggregate classification (germline): Conflicting classifications of pathogenicity. Review status: criteria provided, conflicting classifications (1 of 4 stars). 6 submissions from 6 submitters: Uncertain significance (1); Benign (3); Likely benign (1). 1 of the submissions does not count toward it. Last evaluated 2025-12-01.

Conditions:
Inborn genetic diseases. Identifiers: MedGen C0950123, MeSH D030342.
Spinocerebellar ataxia type 11 (SCA11). Identifiers: Orphanet 98767, MedGen C1858351, MONDO:0011464, OMIM 604432.
TTBK2-related disorder. Also called: TTBK2-related condition.

Allele frequency attached by ClinVar (database versions not stated): 1000 Genomes Project 0.00140; TOPMed 0.00153; 1000 Genomes Project 30x 0.00172; gnomAD exomes 0.00013 and 0.00038; ExAC 0.00050; ESP Exome Variant Server 0.00076; gnomAD 0.00127 and 0.00136.
gnomAD v4.1: 381 of 1,614,166 alleles (0.024%); highest among the groups gnomAD compares: African/African-American, 0.48%; 2 homozygotes.

Submissions (6):

Labcorp Genetics (formerly Invitae), Labcorp
Classification: Benign. Last evaluated: 2025-12-01. Review status: criteria provided, single submitter. Criteria: Invitae Variant Classification Sherloc (09022015). Collection method: clinical testing. Allele origin: germline.

Ambry Genetics
Classification: Uncertain significance for Inborn genetic diseases. Last evaluated: 2025-10-22. Review status: criteria provided, single submitter. Criteria: Ambry Variant Classification Scheme 2023. Collection method: clinical testing. Allele origin: germline.

Athena Diagnostics
Classification: Benign. Last evaluated: 2024-10-18. Review status: criteria provided, single submitter. Criteria: Athena Diagnostics Criteria. Collection method: clinical testing. Allele origin: unknown.

Blueprint Genetics
Classification: Likely benign. Last evaluated: 2024-07-02. Review status: criteria provided, single submitter. Criteria: ACMG Guidelines, 2015. Collection method: clinical testing. Allele origin: germline.

Illumina Laboratory Services, Illumina
Classification: Benign for Spinocerebellar ataxia type 11. Last evaluated: 2018-01-12. Review status: criteria provided, single submitter. Criteria: ICSL Variant Classification Criteria 13 December 2019. Collection method: clinical testing. Allele origin: germline.
Comment: This variant was observed in the ICSL laboratory as part of a predisposition screen in an ostensibly healthy population. It had not been previously curated by ICSL or reported in the Human Gene Mutation Database (HGMD: prior to June 1st, 2018), and was therefore a candidate for classification through an automated scoring system. Utilizing variant allele frequency, disease prevalence and penetrance estimates, and inheritance mode, an automated score was calculated to assess if this variant is too frequent to cause the disease. Based on the score and internal cut-off values, a variant classified as benign is not then subjected to further curation. The score for this variant resulted in a classification of benign for this disease.

PreventionGenetics, part of Exact Sciences
Classification: Benign for TTBK2-related condition. Last evaluated: 2019-07-16. Review status: no assertion criteria provided. Collection method: clinical testing. Allele origin: germline. Not counted in ClinVar's aggregate classification.
Comment: This variant is classified as benign based on ACMG/AMP sequence variant interpretation guidelines (Richards et al. 2015 PMID: 25741868, with internal and published modifications).

NM_173500.4(TTBK2):c.3331C>G (p.Leu1111Val)

Gene: TTBK2 (tau tubulin kinase 2; minus strand). Cytogenetic location: 15q15.2.
Variant type: single nucleotide variant.
Coding change: c.3331C>G on transcript NM_173500.4 (MANE Select); coding-DNA position 3331, C replaced by G.
Protein change: p.Leu1111Val; replaces leucine 1111 with valine.
Molecular consequence: missense variant.
Genome position (GRCh38, 1-based): chr15:42,746,199, G>C on the plus strand (C>G on the coding strand, the complement: TTBK2 is on the minus strand). VCF-style: chr15-42746199-G-C. GRCh37 (hg19) VCF-style: chr15-43038397-G-C.
Other names: short protein forms L1111V.
Identifiers: ClinVar variation 315978 (VCV000315978.19), dbSNP rs144199562, ClinGen allele CA7516594.